The following is an entry in ClinVar:

ClinVar aggregate classification (germline): Uncertain significance. Review status: criteria provided, multiple submitters, no conflicts (2 of 4 stars). 3 submissions from 3 submitters: Uncertain significance (3). Last evaluated 2024-01-19.

Conditions:
Leukoencephalopathy with calcifications and cysts. Also called: Leukoencephalopathy, brain calcifications, and cysts; LABRUNE SYNDROME. Identifiers: Orphanet 542310, MedGen C3281200, MONDO:0013803, OMIM 614561.

gnomAD v4.1: 1 of 765,272 alleles (0.00013%); highest among the groups gnomAD compares: Non-Finnish European, 0.00024%; no homozygotes.

Submissions (3):

GeneDx
Classification: Uncertain significance. Last evaluated: 2024-01-19. Review status: criteria provided, single submitter. Criteria: GeneDx Variant Classification Process June 2021. Collection method: clinical testing. Allele origin: germline. Affected: yes.
Comment: Has not been previously published as pathogenic or benign to our knowledge; Located in a stem of the SNORD118 non-coding RNA (PMID: 32359472); Not observed at significant frequency in large population cohorts (gnomAD); This variant is associated with the following publications: (PMID: 32359472)

Illumina Laboratory Services, Illumina
Classification: Uncertain significance for Leukoencephalopathy with calcifications and cysts. Last evaluated: 2023-07-26. Review status: criteria provided, single submitter. Criteria: ICSLVariantClassificationCriteria RUGD 01 April 2020. Collection method: clinical testing. Allele origin: unknown.
Comment: The SNORD118 g.8076847C>A variant, also referred to as n.60G>T, is a non-protein coding variant. This variant is not observed at a significant frequency in version 2.1.1 or version 3.1.2 of the Genome Aggregation Database. The variant is located within the U8 box C region of SNORD118, a region required for protein interaction (PMID: 27571260). Based on the available evidence, the n.60G>T variant is classified as a variant of uncertain significance for leukoencephalopathy with calcifications and cysts.

Labcorp Genetics (formerly Invitae), Labcorp
Classification: Uncertain significance. Last evaluated: 2022-09-22. Review status: criteria provided, single submitter. Criteria: Invitae Variant Classification Sherloc (09022015). Collection method: clinical testing. Allele origin: germline.
Comment: This variant occurs in the SNORD118 gene, which encodes an RNA molecule that does not result in a protein product. This variant is not present in population databases (gnomAD no frequency). This variant has not been reported in the literature in individuals affected with SNORD118-related conditions. Experimental studies and prediction algorithms are not available or were not evaluated, and the functional significance of this variant is currently unknown. In summary, the available evidence is currently insufficient to determine the role of this variant in disease. Therefore, it has been classified as a Variant of Uncertain Significance.

NR_033294.2(SNORD118):n.60G>T

Genes: SNORD118 (small nucleolar RNA, C/D box 118; minus strand), TMEM107 (transmembrane protein 107; minus strand). Cytogenetic location: 17p13.1.
Variant type: single nucleotide variant.
Molecular consequence: non-coding transcript variant (on NR_033294.2). On other transcripts: 3 prime UTR variant (5).
Genome position: GRCh38 VCF-style: chr17-8173529-C-A. GRCh37 (hg19) VCF-style: chr17-8076847-C-A.
Other names: c.*674G>T (NM_001351278.2, NM_001351279.2, NM_001351280.2 and 2 more transcripts).
Identifiers: ClinVar variation 2130952 (VCV002130952.3), dbSNP rs780396107, ClinGen allele CA497957102.